The following is an entry in ClinVar:

ClinVar aggregate classification (germline): Uncertain significance. Review status: criteria provided, multiple submitters, no conflicts (2 of 4 stars). 2 submissions from 2 submitters: Uncertain significance (2). Last evaluated 2025-10-02.

Conditions:
Inborn genetic diseases. Identifiers: MedGen C0950123, MeSH D030342.
Glycogen storage disease due to muscle and heart glycogen synthase deficiency. Also called: MUSCLE GLYCOGEN SYNTHASE DEFICIENCY; GSD 0b. Identifiers: Orphanet 137625, MedGen C1969054, MONDO:0012693, OMIM 611556.

Submissions (2):

Labcorp Genetics (formerly Invitae), Labcorp
Classification: Uncertain significance for Glycogen storage disease due to muscle and heart glycogen synthase deficiency. Last evaluated: 2025-10-02. Review status: criteria provided, single submitter. Criteria: Invitae Variant Classification Sherloc (09022015). Collection method: clinical testing. Allele origin: germline.
Comment: This sequence change replaces valine, which is neutral and non-polar, with glutamic acid, which is acidic and polar, at codon 711 of the GYS1 protein (p.Val711Glu). This variant is not present in population databases (gnomAD no frequency). This variant has not been reported in the literature in individuals affected with GYS1-related conditions. ClinVar contains an entry for this variant (Variation ID: 1490781). An algorithm developed to predict the effect of missense changes on protein structure and function (PolyPhen-2) suggests that this variant is likely to be tolerated. In summary, the available evidence is currently insufficient to determine the role of this variant in disease. Therefore, it has been classified as a Variant of Uncertain Significance.

Ambry Genetics
Classification: Uncertain significance for Inborn genetic diseases. Last evaluated: 2025-08-30. Review status: criteria provided, single submitter. Criteria: Ambry Variant Classification Scheme 2023. Collection method: clinical testing. Allele origin: germline.

NM_002103.5(GYS1):c.2132T>A (p.Val711Glu)

Gene: GYS1 (glycogen synthase 1; minus strand). Cytogenetic location: 19q13.33.
Variant type: single nucleotide variant.
Coding change: c.2132T>A on transcript NM_002103.5 (MANE Select); coding-DNA position 2132, T replaced by A.
Protein change: p.Val711Glu; replaces valine 711 with glutamic acid.
Molecular consequence: missense variant. On other transcripts: non-coding transcript variant (1).
Genome position (GRCh38, 1-based): chr19:48,969,370, A>T on the plus strand (T>A on the coding strand, the complement: GYS1 is on the minus strand). VCF-style: chr19-48969370-A-T. GRCh37 (hg19) VCF-style: chr19-49472627-A-T.
Other names: c.1940T>A, p.Val647Glu (NM_001161587.2); c.2132T>A (NM_002103.4); short protein forms V647E, V711E.
Identifiers: ClinVar variation 1490781 (VCV001490781.7), dbSNP rs893694315, ClinGen allele CA309381865.